The following is an entry in ClinVar:

ClinVar aggregate classification (germline): Likely benign (1 of 4 stars; one submission).

Submission:

Phosphorus, Inc.
Classification: Likely benign. Last evaluated: 2022-01-14. Review status: criteria provided, single submitter. Criteria: ACMG Guidelines, 2015. Collection method: clinical testing. Allele origin: germline. Inheritance: Autosomal recessive inheritance.
Comment: This synonymous variant is located 462 bp from the canonical splice site in exon 1 out of 9 exons of the DES gene (transcript NM_001927.3). This variant has not been reported in ClinVar and has not occurred in population databases. This position is not conserved. In silico splicing algorithms did not predict an impact on splicing, however no functional studies were performed to confirm this prediction. The variant has not occurred in the literature associated with the disease. In conclusion, the available evidence is sufficient to classify this variant as Likely Benign.

NM_001927.4(DES):c.117T>G (p.Gly39=)

Gene: DES (desmin; plus strand). Cytogenetic location: 2q35.
Variant type: single nucleotide variant.
Coding change: c.117T>G on transcript NM_001927.4 (MANE Select); coding-DNA position 117, T replaced by G.
Protein change: p.Gly39=; no amino-acid change (glycine 39 retained).
Molecular consequence: synonymous variant.
Genome position (GRCh38, 1-based): chr2:219,418,579, T>G. VCF-style: chr2-219418579-T-G. GRCh37 (hg19) VCF-style: chr2-220283301-T-G.
Other names: c.117T>G, p.Gly39= (NM_001382708.1, NM_001382709.1, NM_001382710.1 and 3 more transcripts).
Identifiers: ClinVar variation 1339308 (VCV001339308.1), dbSNP rs796885355, ClinGen allele CA65980740.